The following is an entry in ClinVar:

ClinVar aggregate classification (germline): Likely benign. Review status: criteria provided, single submitter (1 of 4 stars). 2 submissions from 2 submitters: Likely benign (1). 1 of the submissions does not count toward it. Last evaluated 2025-07-02.

Conditions:
PCLO-related disorder. Also called: PCLO-related condition.

Allele frequency attached by ClinVar (database versions not stated): ESP Exome Variant Server 0.00008; gnomAD 0.00009 and 0.00013; TOPMed 0.00022; gnomAD exomes 0.00037; ExAC 0.00046; 1000 Genomes Project 30x 0.00062; 1000 Genomes Project 0.00080.
gnomAD v4.1: 215 of 1,613,530 alleles (0.013%); highest among the groups gnomAD compares: East Asian, 0.37%; no homozygotes.

Submissions (2):

Labcorp Genetics (formerly Invitae), Labcorp
Classification: Likely benign. Last evaluated: 2025-07-02. Review status: criteria provided, single submitter. Criteria: Invitae Variant Classification Sherloc (09022015). Collection method: clinical testing. Allele origin: germline.

PreventionGenetics, part of Exact Sciences
Classification: Likely benign for PCLO-related condition. Last evaluated: 2023-12-04. Review status: no assertion criteria provided. Collection method: clinical testing. Allele origin: germline. Not counted in ClinVar's aggregate classification.
Comment: This variant is classified as likely benign based on ACMG/AMP sequence variant interpretation guidelines (Richards et al. 2015 PMID: 25741868, with internal and published modifications).

NM_033026.6(PCLO):c.5891C>T (p.Thr1964Met)

Gene: PCLO (piccolo presynaptic cytomatrix protein; minus strand). Cytogenetic location: 7q21.11.
Variant type: single nucleotide variant.
Coding change: c.5891C>T on transcript NM_033026.6 (MANE Select); coding-DNA position 5891, C replaced by T.
Protein change: p.Thr1964Met; replaces threonine 1964 with methionine.
Molecular consequence: missense variant.
Genome position (GRCh38, 1-based): chr7:82,955,062, G>A on the plus strand (C>T on the coding strand, the complement: PCLO is on the minus strand). VCF-style: chr7-82955062-G-A. GRCh37 (hg19) VCF-style: chr7-82584378-G-A.
Other names: c.5891C>T (NM_033026.5); c.5891C>T, p.Thr1964Met (NM_014510.3); short protein forms T1964M.
Identifiers: ClinVar variation 1564987 (VCV001564987.10), dbSNP rs148432464, ClinGen allele CA4320568.